The following is an entry in ClinVar:

ClinVar aggregate classification (germline): Uncertain significance (1 of 4 stars; one submission).

Conditions:
Hereditary cancer-predisposing syndrome. Also called: Neoplastic Syndromes, Hereditary; Tumor predisposition; Hereditary Cancer Syndrome; Hereditary neoplastic syndrome. Identifiers: Orphanet 140162, MedGen C0027672, MeSH D009386, MONDO:0015356.

Submission:

Ambry Genetics
Classification: Uncertain significance for Hereditary cancer-predisposing syndrome. Last evaluated: 2025-11-13. Review status: criteria provided, single submitter. Criteria: Ambry Variant Classification Scheme 2023. Collection method: clinical testing. Allele origin: germline.
Comment: The p.E1047K variant (also known as c.3139G>A), located in coding exon 22 of the PDGFRA gene, results from a G to A substitution at nucleotide position 3139. The glutamic acid at codon 1047 is replaced by lysine, an amino acid with similar properties. This amino acid position is highly conserved in available vertebrate species. In addition, the in silico prediction for this alteration is inconclusive. Based on the available evidence, the clinical significance of this variant remains unclear.

NM_006206.6(PDGFRA):c.3139G>A (p.Glu1047Lys)

Gene: PDGFRA (platelet derived growth factor receptor alpha; plus strand). Cytogenetic location: 4q12.
Variant type: single nucleotide variant.
Coding change: c.3139G>A on transcript NM_006206.6 (MANE Select); coding-DNA position 3139, G replaced by A.
Protein change: p.Glu1047Lys; replaces glutamic acid 1047 with lysine.
Molecular consequence: missense variant.
Genome position (GRCh38, 1-based): chr4:54,295,141, G>A. VCF-style: chr4-54295141-G-A. GRCh37 (hg19) VCF-style: chr4-55161308-G-A.
Other names: c.3214G>A, p.Glu1072Lys (NM_001347828.2); c.3139G>A, p.Glu1047Lys (NM_001347829.2); c.3178G>A, p.Glu1060Lys (NM_001347830.2); short protein forms E1047K, E1072K, E1060K.
Identifiers: ClinVar variation 4665300 (VCV004665300.1).
Genomic context (GRCh38, chr4:54,295,141, plus strand): 5'-TCTGTGCAGGAGTTGTAATATTTGCTCTTCTCTCCCTCCTCCAGCTCGCAGACCTCTGAA[G>A]AGAGTGCCATTGAGACGGGTTCCAGCAGTTCCACCTTCATCAAGAGAGAGGACGAGACCA-3'
Protein context (NP_006197.1, residues 1037-1057): RNRHSSQTSE[Glu1047Lys]SAIETGSSSS